The following is an entry in ClinVar:

ClinVar aggregate classification (germline): Uncertain significance (1 of 4 stars; one submission).

Allele frequency attached by ClinVar (database versions not stated): gnomAD exomes 0.00001.
gnomAD v4.1: 15 of 1,613,932 alleles (0.00093%); highest among the groups gnomAD compares: Non-Finnish European, 0.0013%; no homozygotes.

Submission:

Labcorp Genetics (formerly Invitae), Labcorp
Classification: Uncertain significance. Last evaluated: 2023-02-14. Review status: criteria provided, single submitter. Criteria: Invitae Variant Classification Sherloc (09022015). Collection method: clinical testing. Allele origin: germline.
Comment: This variant has not been reported in the literature in individuals affected with IMPG1-related conditions. Algorithms developed to predict the effect of missense changes on protein structure and function are either unavailable or do not agree on the potential impact of this missense change (SIFT: "Deleterious"; PolyPhen-2: "Benign"; Align-GVGD: "Class C0"). In summary, the available evidence is currently insufficient to determine the role of this variant in disease. Therefore, it has been classified as a Variant of Uncertain Significance. This sequence change replaces phenylalanine, which is neutral and non-polar, with serine, which is neutral and polar, at codon 74 of the IMPG1 protein (p.Phe74Ser). This variant is present in population databases (no rsID available, gnomAD 0.0009%).

NM_001563.4(IMPG1):c.221T>C (p.Phe74Ser)

Gene: IMPG1 (interphotoreceptor matrix proteoglycan 1; minus strand). Cytogenetic location: 6q14.1.
Variant type: single nucleotide variant.
Coding change: c.221T>C on transcript NM_001563.4 (MANE Select); coding-DNA position 221, T replaced by C.
Protein change: p.Phe74Ser; replaces phenylalanine 74 with serine.
Molecular consequence: missense variant. On other transcripts: intron variant (1).
Genome position (GRCh38, 1-based): chr6:76,041,973, A>G on the plus strand (T>C on the coding strand, the complement: IMPG1 is on the minus strand). VCF-style: chr6-76041973-A-G. GRCh37 (hg19) VCF-style: chr6-76751690-A-G.
Other names: c.68-7186T>C (NM_001282368.2); short protein forms F74S.
Identifiers: ClinVar variation 2830865 (VCV002830865.3), dbSNP rs1476819267, ClinGen allele CA364829704.
Genomic context (GRCh38, chr6:76,041,973, plus strand): 5'-TGAAGACTGTCTAAAATCTGTTTCATGGATTCCTGTGGACAGACTTTAACCCCCGTTGGG[A>G]AAAATGCGGATCTTTTTGTTCGATGCTTTGCCAAATCGAATATTCGTCTCATAGTTGACA-3'
Protein context (NP_001554.2, residues 64-84): AKHRTKRSAF[Phe74Ser]PTGVKVCPQE